The following is an entry in ClinVar:

ClinVar aggregate classification (germline): Uncertain significance (1 of 4 stars; one submission).

Allele frequency attached by ClinVar (database versions not stated): TOPMed below 0.00001; gnomAD 0.00001.
gnomAD v4.1: 1 of 1,614,058 alleles (0.000062%); highest among the groups gnomAD compares: African/African-American, 0.0013%; no homozygotes.

Submission:

Labcorp Genetics (formerly Invitae), Labcorp
Classification: Uncertain significance. Last evaluated: 2022-04-24. Review status: criteria provided, single submitter. Criteria: Invitae Variant Classification Sherloc (09022015). Collection method: clinical testing. Allele origin: germline.
Comment: This sequence change replaces asparagine, which is neutral and polar, with histidine, which is basic and polar, at codon 650 of the KMT2A protein (p.Asn650His). This variant is not present in population databases (gnomAD no frequency). This variant has not been reported in the literature in individuals affected with KMT2A-related conditions. Advanced modeling of protein sequence and biophysical properties (such as structural, functional, and spatial information, amino acid conservation, physicochemical variation, residue mobility, and thermodynamic stability) performed at Invitae indicates that this missense variant is expected to disrupt KMT2A protein function. In summary, the available evidence is currently insufficient to determine the role of this variant in disease. Therefore, it has been classified as a Variant of Uncertain Significance.

NM_001197104.2(KMT2A):c.1948A>C (p.Asn650His)

Gene: KMT2A (lysine methyltransferase 2A; plus strand). Cytogenetic location: 11q23.3.
Variant type: single nucleotide variant.
Coding change: c.1948A>C on transcript NM_001197104.2 (MANE Select); coding-DNA position 1948, A replaced by C.
Protein change: p.Asn650His; replaces asparagine 650 with histidine.
Molecular consequence: missense variant.
Genome position (GRCh38, 1-based): chr11:118,473,107, A>C. VCF-style: chr11-118473107-A-C. GRCh37 (hg19) VCF-style: chr11-118343822-A-C.
Other names: c.2047A>C, p.Asn683His (NM_001412597.1); c.1948A>C, p.Asn650His (NM_005933.4); short protein forms N650H, N683H.
Identifiers: ClinVar variation 1957703 (VCV001957703.5), dbSNP rs1949971943, ClinGen allele CA382811834.